The following is an entry in ClinVar:

ClinVar aggregate classification (germline): Uncertain significance (1 of 4 stars; one submission).

Allele frequency attached by ClinVar (database versions not stated): ESP Exome Variant Server 0.00008; gnomAD exomes 0.00009 and 0.00011; 1000 Genomes Project 30x 0.00016; ExAC 0.00016; 1000 Genomes Project 0.00020.
gnomAD v4.1: 141 of 1,610,698 alleles (0.0088%); highest among the groups gnomAD compares: Middle Eastern, 0.033%; 1 homozygote.

Submission:

Labcorp Genetics (formerly Invitae), Labcorp
Classification: Uncertain significance. Last evaluated: 2024-10-16. Review status: criteria provided, single submitter. Criteria: Invitae Variant Classification Sherloc (09022015). Collection method: clinical testing. Allele origin: germline.
Comment: This sequence change replaces serine, which is neutral and polar, with alanine, which is neutral and non-polar, at codon 726 of the CARMIL2 protein (p.Ser726Ala). This variant is present in population databases (rs201190819, gnomAD 0.02%). This variant has not been reported in the literature in individuals affected with CARMIL2-related conditions. ClinVar contains an entry for this variant (Variation ID: 1433360). Invitae Evidence Modeling of protein sequence and biophysical properties (such as structural, functional, and spatial information, amino acid conservation, physicochemical variation, residue mobility, and thermodynamic stability) indicates that this missense variant is not expected to disrupt CARMIL2 protein function with a negative predictive value of 80%. In summary, the available evidence is currently insufficient to determine the role of this variant in disease. Therefore, it has been classified as a Variant of Uncertain Significance.

NM_001013838.3(CARMIL2):c.2176T>G (p.Ser726Ala)

Gene: CARMIL2 (capping protein regulator and myosin 1 linker 2; plus strand). Cytogenetic location: 16q22.1.
Variant type: single nucleotide variant.
Coding change: c.2176T>G on transcript NM_001013838.3 (MANE Select); coding-DNA position 2176, T replaced by G.
Protein change: p.Ser726Ala; replaces serine 726 with alanine.
Molecular consequence: missense variant.
Genome position (GRCh38, 1-based): chr16:67,650,142, T>G. VCF-style: chr16-67650142-T-G. GRCh37 (hg19) VCF-style: chr16-67684045-T-G.
Other names: c.2068T>G, p.Ser690Ala (NM_001317026.3); short protein forms S726A, S690A.
Identifiers: ClinVar variation 1433360 (VCV001433360.4), dbSNP rs201190819, ClinGen allele CA8113699.